The following is an entry in ClinVar:

NM_000212.3(ITGB3):c.67G>T (p.Val23Phe)

Gene: ITGB3 (integrin subunit beta 3; plus strand). Cytogenetic location: 17q21.32.
Variant type: single nucleotide variant.
Coding change: c.67G>T on transcript NM_000212.3 (MANE Select); coding-DNA position 67, G replaced by T.
Protein change: p.Val23Phe; replaces valine 23 with phenylalanine.
Molecular consequence: missense variant.
Genome position (GRCh38, 1-based): chr17:47,253,928, G>T. VCF-style: chr17-47253928-G-T. GRCh37 (hg19) VCF-style: chr17-45331294-G-T.
Other names: short protein forms V23F.
Identifiers: ClinVar variation 3111441 (VCV003111441.5), dbSNP rs778013385, ClinGen allele CA8622839.
Genomic context (GRCh38, chr17:47,253,928, plus strand): 5'-GCGCGGCCGCGGCCCCGGCCGCTCTGGGCGACTGTGCTGGCGCTGGGGGCGCTGGCGGGC[G>T]TTGGCGTAGGAGGTGAGTGAGGCTCCGGCTCGGCAGCGTCGCAGCTGCCCCAGGATCTGC-3'
Protein context (NP_000203.2, residues 13-33): TVLALGALAG[Val23Phe]GVGGPNICTT

ClinVar aggregate classification (germline): Uncertain significance. Review status: criteria provided, multiple submitters, no conflicts (2 of 4 stars). 3 submissions from 3 submitters: Uncertain significance (3). Last evaluated 2026-04-14.

Conditions:
ITGB3-related disorder. Also called: ITGB3-related condition.
Inborn genetic diseases. Identifiers: MedGen C0950123, MeSH D030342.

Allele frequency attached by ClinVar (database versions not stated): TOPMed 0.00018; gnomAD 0.00007; ExAC 0.00013; 1000 Genomes Project 30x 0.00016.
gnomAD v4.1: 16 of 1,417,106 alleles (0.0011%); highest among the groups gnomAD compares: Admixed American, 0.035%; no homozygotes.

Submissions (3):

Ambry Genetics
Classification: Uncertain significance for Inborn genetic diseases. Last evaluated: 2026-04-14. Review status: criteria provided, single submitter. Criteria: Ambry Variant Classification Scheme 2023. Collection method: clinical testing. Allele origin: germline.

PreventionGenetics, part of Exact Sciences
Classification: Uncertain significance for ITGB3-related condition. Last evaluated: 2025-05-27. Review status: criteria provided, single submitter. Criteria: ACMG Guidelines, 2015. Collection method: clinical testing. Allele origin: germline.
Comment: The ITGB3 c.67G>T variant is predicted to result in the amino acid substitution p.Val23Phe. To our knowledge, this variant has not been reported in the literature. This variant is reported in 0.0070% of alleles in individuals of Latino descent in gnomAD. At this time, the clinical significance of this variant is uncertain due to the absence of conclusive functional and genetic evidence.

Labcorp Genetics (formerly Invitae), Labcorp
Classification: Uncertain significance. Last evaluated: 2024-06-24. Review status: criteria provided, single submitter. Criteria: Invitae Variant Classification Sherloc (09022015). Collection method: clinical testing. Allele origin: germline.
Comment: This sequence change replaces valine, which is neutral and non-polar, with phenylalanine, which is neutral and non-polar, at codon 23 of the ITGB3 protein (p.Val23Phe). The frequency data for this variant in the population databases is considered unreliable, as metrics indicate poor data quality at this position in the gnomAD database. This variant has not been reported in the literature in individuals affected with ITGB3-related conditions. Advanced modeling of protein sequence and biophysical properties (such as structural, functional, and spatial information, amino acid conservation, physicochemical variation, residue mobility, and thermodynamic stability) performed at Invitae indicates that this missense variant is not expected to disrupt ITGB3 protein function with a negative predictive value of 80%. In summary, the available evidence is currently insufficient to determine the role of this variant in disease. Therefore, it has been classified as a Variant of Uncertain Significance.